The following is an entry in ClinVar:

NM_012203.2(GRHPR):c.423G>A (p.Trp141Ter)

Gene: GRHPR (glyoxylate and hydroxypyruvate reductase; plus strand). Cytogenetic location: 9p13.2.
Variant type: single nucleotide variant.
Coding change: c.423G>A on transcript NM_012203.2 (MANE Select); coding-DNA position 423, G replaced by A.
Protein change: p.Trp141Ter; replaces tryptophan 141 with a stop codon.
Molecular consequence: nonsense.
Genome position (GRCh38, 1-based): chr9:37,428,502, G>A. VCF-style: chr9-37428502-G-A. GRCh37 (hg19) VCF-style: chr9-37428499-G-A.
Other names: short protein forms W141*.
Identifiers: ClinVar variation 2008195 (VCV002008195.4), dbSNP rs2489240019, ClinGen allele CA373442709.

ClinVar aggregate classification (germline): Pathogenic (1 of 4 stars; one submission).

Submission:

Labcorp Genetics (formerly Invitae), Labcorp
Classification: Pathogenic. Last evaluated: 2022-06-19. Review status: criteria provided, single submitter. Criteria: Invitae Variant Classification Sherloc (09022015). Collection method: clinical testing. Allele origin: germline.
Comment: For these reasons, this variant has been classified as Pathogenic. This variant has not been reported in the literature in individuals affected with GRHPR-related conditions. This variant is not present in population databases (gnomAD no frequency). This sequence change creates a premature translational stop signal (p.Trp141*) in the GRHPR gene. It is expected to result in an absent or disrupted protein product. Loss-of-function variants in GRHPR are known to be pathogenic (PMID: 25644115).

Literature cited by the submitters: PubMed 25644115.